The following is an entry in ClinVar:

NM_001081.4(CUBN):c.10656C>T (p.Asn3552=)

Gene: CUBN (cubilin; minus strand). Cytogenetic location: 10p13.
Variant type: single nucleotide variant.
Coding change: c.10656C>T on transcript NM_001081.4 (MANE Select); coding-DNA position 10656, C replaced by T.
Protein change: p.Asn3552=; no amino-acid change (asparagine 3552 retained).
Molecular consequence: synonymous variant.
Genome position (GRCh38, 1-based): chr10:16,828,913, G>A on the plus strand (C>T on the coding strand, the complement: CUBN is on the minus strand). VCF-style: chr10-16828913-G-A. GRCh37 (hg19) VCF-style: chr10-16870912-G-A.
Other names: p.Asn3552=.
Identifiers: ClinVar variation 695358 (VCV000695358.16), dbSNP rs1801232, ClinGen allele CA5422325.
Genomic context (GRCh38, chr10:16,828,913, plus strand): 5'-ATAGAGTGTGAGATAGTTCTGGACACAGTCTCCTGGATCGTCAATGCTGATGAAGTAGAA[G>A]TTGATGGTGACAAGCCTTCCAGCAGGAGCAACAAGGACCCACTCGCAGTACGTGTTGTTT-3'
Protein context (NP_001072.2, residues 3542-3562): VAPAGRLVTI[Asn3552=]FYFISIDDPG

ClinVar aggregate classification (germline): Benign/Likely benign. Review status: criteria provided, multiple submitters, no conflicts (2 of 4 stars). 5 submissions from 5 submitters: Benign (3); Likely benign (2). Last evaluated 2026-01-28.

Conditions:
Imerslund-Grasbeck syndrome. Also called: Megaloblastic anemia due to inborn errors of metabolism; ENTEROCYTE COBALAMIN MALABSORPTION; ENTEROCYTE INTRINSIC FACTOR RECEPTOR, DEFECT OF; Imerslund-Gräsbeck syndrome; PERNICIOUS ANEMIA, JUVENILE, DUE TO SELECTIVE INTESTINAL MALABSORPTION OF VITAMIN B12, WITH PROTEINURIA. Identifiers: Orphanet 35858, MedGen C4551825, MONDO:0009853.
Imerslund-Grasbeck syndrome type 1 (IGS1). Also called: Megaloblastic anemia 1, Finnish type; MEGALOBLASTIC ANEMIA, 1; Imerslund-Gräsbeck syndrome 1. Identifiers: MedGen C4016819, MONDO:0100156, OMIM 261100.

Allele frequency attached by ClinVar (database versions not stated): 1000 Genomes Project 30x 0.00640; TOPMed 0.00514; 1000 Genomes Project 0.00599.
gnomAD v4.1: 1,508 of 1,614,106 alleles (0.093%); highest among the groups gnomAD compares: African/African-American, 1.8%; 15 homozygotes.

Submissions (5):

Labcorp Genetics (formerly Invitae), Labcorp
Classification: Benign for Imerslund-Grasbeck syndrome. Last evaluated: 2026-01-28. Review status: criteria provided, single submitter. Criteria: Invitae Variant Classification Sherloc (09022015). Collection method: clinical testing. Allele origin: germline.

Mayo Clinic Laboratories, Mayo Clinic
Classification: Benign. Last evaluated: 2025-10-15. Review status: criteria provided, single submitter. Criteria: ACMG Guidelines, 2015. Collection method: clinical testing. Allele origin: germline. Observed: 1 variant allele.
Comment: BS1, BS2, BP4, BP7

GeneDx
Classification: Likely benign. Last evaluated: 2020-11-20. Review status: criteria provided, single submitter. Criteria: GeneDx Variant Classification Process June 2021. Collection method: clinical testing. Allele origin: germline. Affected: yes.

Illumina Laboratory Services, Illumina
Classification: Benign for Imerslund-Grasbeck syndrome type 1. Last evaluated: 2017-04-28. Review status: criteria provided, single submitter. Criteria: ICSL Variant Classification Criteria 13 December 2019. Collection method: clinical testing. Allele origin: germline.
Comment: This variant was observed as part of a predisposition screen in an ostensibly healthy population. A literature search was performed for the gene, cDNA change, and amino acid change (where applicable). No publications were found based on this search. Allele frequency data from public databases was too high to be consistent with this variant causing disease. Therefore, this variant is classified as benign.

Breakthrough Genomics
Classification: Likely benign. Review status: criteria provided, single submitter. Criteria: ACMG Guidelines, 2015. Collection method: not provided. Allele origin: germline. Inheritance: Autosomal recessive inheritance. Affected: yes.